The following is an entry in ClinVar:

ClinVar aggregate classification (germline): Uncertain significance. Review status: reviewed by expert panel (3 of 4 stars). 2 submissions from 2 submitters: Uncertain significance (1). 1 of the submissions does not count toward it. Last evaluated 2024-04-23.

Conditions:
Combined immunodeficiency with skin granulomas. Identifiers: Orphanet 157949, MedGen C2673536, MONDO:0009306, OMIM 233650.
Severe combined immunodeficiency, autosomal recessive, T cell-negative, B cell-negative, NK cell-positive. Also called: SCID, AR, T-cell negative, B-cell negative, NK cell-positive; Severe combined immunodeficiency due to complete RAG1/2 deficiency; SCID, T CELL-NEGATIVE, B CELL-NEGATIVE, NK CELL-POSITIVE. Identifiers: Orphanet 331206, MedGen C1832322, MONDO:0011086, OMIM 601457.
Recombinase activating gene 1 deficiency. Identifiers: MedGen CN375631, MONDO:0000572.

Allele frequency attached by ClinVar (database versions not stated): gnomAD exomes below 0.00001; TOPMed below 0.00001.

Submissions (2):

ClinGen Severe Combined Immunodeficiency Variant Curation Expert Panel, ClinGen
Classification: Uncertain significance for Recombinase activating gene 1 deficiency. Last evaluated: 2024-04-23. Review status: reviewed by expert panel. Criteria: ClinGen SCID ACMG Specifications RAG1 V1.0.0. Collection method: curation. Allele origin: germline. Inheritance: Autosomal recessive inheritance.
Comment: The NM_000448.3:c.17C>T variant in RAG1 is a missense variant predicted to cause a substitution of proline by leucine at amino acid 6 (p.Pro6Leu). This variant is absent from gnomAD v2.1.1 (PM2_Supporting). This variant has not been reported in the literature in individuals with SCID. In ClinVar, the variant was reported in one affected individual who didn't have a second RAG1 variant, and the variant was classified as a Variant of Uncertain Significance (Invitae, SCV003314204.1). There is no functional evidence for this variant. Due to insufficient evidence, this variant is classified as a variant of uncertain significance for SCID. ACMG/AMP criteria applied, as specified by the ClinGen SCID-VCEP: PM2_supporting (SCID VCEP specifications version 1.0).

Labcorp Genetics (formerly Invitae), Labcorp
Classification: Uncertain significance for Combined immunodeficiency with skin granulomas; Severe combined immunodeficiency, autosomal recessive, T cell-negative, B cell-negative, NK cell-positive. Last evaluated: 2022-02-18. Review status: criteria provided, single submitter. Criteria: Invitae Variant Classification Sherloc (09022015). Collection method: clinical testing. Allele origin: germline. Not counted in ClinVar's aggregate classification.
Comment: This sequence change replaces proline, which is neutral and non-polar, with leucine, which is neutral and non-polar, at codon 6 of the RAG1 protein (p.Pro6Leu). This variant is not present in population databases (gnomAD no frequency). This variant has not been reported in the literature in individuals affected with RAG1-related conditions. Advanced modeling of protein sequence and biophysical properties (such as structural, functional, and spatial information, amino acid conservation, physicochemical variation, residue mobility, and thermodynamic stability) performed at Invitae indicates that this missense variant is not expected to disrupt RAG1 protein function. In summary, the available evidence is currently insufficient to determine the role of this variant in disease. Therefore, it has been classified as a Variant of Uncertain Significance.

NM_000448.3(RAG1):c.17C>T (p.Pro6Leu)

Gene: RAG1 (recombination activating 1; plus strand). Cytogenetic location: 11p12.
Variant type: single nucleotide variant.
Coding change: c.17C>T on transcript NM_000448.3 (MANE Select); coding-DNA position 17, C replaced by T.
Protein change: p.Pro6Leu; replaces proline 6 with leucine.
Molecular consequence: missense variant.
Genome position (GRCh38, 1-based): chr11:36,573,321, C>T. VCF-style: chr11-36573321-C-T. GRCh37 (hg19) VCF-style: chr11-36594871-C-T.
Other names: NM_000448.3(RAG1):c.17C>T; p.Pro6Leu; c.17C>T, p.Pro6Leu (NM_001377277.1, NM_001377278.1, NM_001377279.1 and 1 more transcripts); short protein forms P6L.
Identifiers: ClinVar variation 2098676 (VCV002098676.4), dbSNP rs1850775921, ClinGen allele CA380144964.